The following is an entry in ClinVar:

ClinVar aggregate classification (germline): Uncertain significance (1 of 4 stars; one submission).

Allele frequency attached by ClinVar (database versions not stated): gnomAD exomes below 0.00001; TOPMed 0.00002.

Submission:

GeneDx
Classification: Uncertain significance. Last evaluated: 2022-10-27. Review status: criteria provided, single submitter. Criteria: GeneDx Variant Classification Process June 2021. Collection method: clinical testing. Allele origin: germline. Affected: yes.
Comment: Has not been previously published as pathogenic or benign to our knowledge; Not observed at significant frequency in large population cohorts (gnomAD); In silico analysis supports that this missense variant does not alter protein structure/function

NM_003036.4(SKI):c.212C>T (p.Pro71Leu)

Gene: SKI (SKI proto-oncogene; plus strand). Cytogenetic location: 1p36.33.
Variant type: single nucleotide variant.
Coding change: c.212C>T on transcript NM_003036.4 (MANE Select); coding-DNA position 212, C replaced by T.
Protein change: p.Pro71Leu; replaces proline 71 with leucine.
Molecular consequence: missense variant.
Genome position (GRCh38, 1-based): chr1:2,228,978, C>T. VCF-style: chr1-2228978-C-T. GRCh37 (hg19) VCF-style: chr1-2160417-C-T.
Other names: short protein forms P71L.
Identifiers: ClinVar variation 2500389 (VCV002500389.1), dbSNP rs1027820020, ClinGen allele CA16871554.